The following is an entry in ClinVar:

ClinVar aggregate classification (germline): Likely benign (1 of 4 stars; one submission).

Allele frequency attached by ClinVar (database versions not stated): gnomAD exomes below 0.00001; gnomAD 0.00003; TOPMed 0.00003.

Submission:

CeGaT Center for Human Genetics Tuebingen
Classification: Likely benign. Last evaluated: 2022-08-01. Review status: criteria provided, single submitter. Criteria: CeGaT Center For Human Genetics Tuebingen Variant Classification Criteria Version 2. Collection method: clinical testing. Allele origin: germline. Affected: yes. Observed: 1 variant allele.
Comment: MAGEB4: BP4

NM_002367.4(MAGEB4):c.959G>C (p.Arg320Thr)

Gene: MAGEB4 (MAGE family member B4; plus strand). Cytogenetic location: Xp21.2.
Variant type: single nucleotide variant.
Coding change: c.959G>C on transcript NM_002367.4 (MANE Select); coding-DNA position 959, G replaced by C.
Protein change: p.Arg320Thr; replaces arginine 320 with threonine.
Molecular consequence: missense variant.
Genome position (GRCh38, 1-based): chrX:30,243,094, G>C. VCF-style: chrX-30243094-G-C. GRCh37 (hg19) VCF-style: chrX-30261211-G-C.
Other names: short protein forms R320T.
Identifiers: ClinVar variation 2660227 (VCV002660227.24), dbSNP rs1299531800, ClinGen allele CA412544080.